The following is an entry in ClinVar:

NM_006612.6(KIF1C):c.1045C>T (p.Arg349Cys)

Gene: KIF1C (kinesin family member 1C; plus strand). Cytogenetic location: 17p13.2.
Variant type: single nucleotide variant.
Coding change: c.1045C>T on transcript NM_006612.6 (MANE Select); coding-DNA position 1045, C replaced by T.
Protein change: p.Arg349Cys; replaces arginine 349 with cysteine.
Molecular consequence: missense variant.
Genome position (GRCh38, 1-based): chr17:5,004,880, C>T. VCF-style: chr17-5004880-C-T. GRCh37 (hg19) VCF-style: chr17-4908175-C-T.
Other names: short protein forms R349C.
Identifiers: ClinVar variation 1303279 (VCV001303279.6), dbSNP rs187228739, ClinGen allele CA8318856.
Genomic context (GRCh38, chr17:5,004,880, plus strand): 5'-CCAGGCCTCACCGACCCTGCTCCTCTGTCACCCAGGTATGCTGACCGCACCAAGCAAATC[C>T]GCTGCAATGCCATCATCAACGAGGACCCTAATGCCCGGCTGATTAGAGAGCTGCAGGAGG-3'
Protein context (NP_006603.2, residues 339-359): LRYADRTKQI[Arg349Cys]CNAIINEDPN

ClinVar aggregate classification (germline): Conflicting classifications of pathogenicity. Review status: criteria provided, conflicting classifications (1 of 4 stars). 2 submissions from 2 submitters: Uncertain significance (1); Likely benign (1). Last evaluated 2025-03-17.

Conditions:
Spastic ataxia 2. Also called: Ataxia, spastic, 2, autosomal recessive. Identifiers: Orphanet 397946, MedGen C1969796, MONDO:0012651, OMIM 611302.

Allele frequency attached by ClinVar (database versions not stated): gnomAD 0.00001; TOPMed 0.00003; ESP Exome Variant Server 0.00008; ExAC 0.00012; 1000 Genomes Project 30x 0.00016; 1000 Genomes Project 0.00020.

Submissions (2):

Labcorp Genetics (formerly Invitae), Labcorp
Classification: Likely benign for Spastic ataxia 2. Last evaluated: 2025-03-17. Review status: criteria provided, single submitter. Criteria: Invitae Variant Classification Sherloc (09022015). Collection method: clinical testing. Allele origin: germline.

GeneDx
Classification: Uncertain significance. Last evaluated: 2020-06-24. Review status: criteria provided, single submitter. Criteria: GeneDx Variant Classification Process June 2021. Collection method: clinical testing. Allele origin: germline. Affected: yes.
Comment: In silico analysis supports that this missense variant has a deleterious effect on protein structure/function; Has not been previously published as pathogenic or benign to our knowledge